The following is an entry in ClinVar:

ClinVar aggregate classification (germline): Conflicting classifications of pathogenicity. Review status: criteria provided, conflicting classifications (1 of 4 stars). 9 submissions from 9 submitters: Uncertain significance (4); Benign (1); Likely benign (4). Last evaluated 2026-03-18.

Conditions:
Hereditary spastic paraplegia 30. Identifiers: Orphanet 101010, MedGen C5235139, MONDO:0012476.
Neuropathy, hereditary sensory, type 2C. Also called: KIF1A-Related HSAN2 (HSAN2C); Hereditary sensory and autonomic neuropathy type IIC. Identifiers: Orphanet 970, MedGen C3280168, MONDO:0013634, OMIM 614213.
Intellectual disability, autosomal dominant 9 (NESCAVS). Also called: NESCAV SYNDROME; KIF1A-Related Neurodevelopmental Disorder. Identifiers: Orphanet 662367, MedGen C5393830, MONDO:0013656, OMIM 614255.
Inborn genetic diseases. Identifiers: MedGen C0950123, MeSH D030342.
KIF1A-related disorder. Also called: KIF1A-related disorders; KIF1A-related condition.

Allele frequency attached by ClinVar (database versions not stated): gnomAD exomes 0.00028 and 0.00051; gnomAD 0.00037 and 0.00041; 1000 Genomes Project 30x 0.00047; TOPMed 0.00053; ExAC 0.00055; ESP Exome Variant Server 0.00057; 1000 Genomes Project 0.00060.
gnomAD v4.1: 494 of 1,611,096 alleles (0.031%); highest among the groups gnomAD compares: Admixed American, 0.084%; 1 homozygote.

Submissions (9):

PreventionGenetics, part of Exact Sciences
Classification: Likely benign for KIF1A-related condition. Last evaluated: 2026-03-18. Review status: criteria provided, single submitter. Criteria: ACMG Guidelines, 2015. Collection method: clinical testing. Allele origin: germline.
Comment: This variant is classified as likely benign based on ACMG/AMP sequence variant interpretation guidelines (Richards et al. 2015 PMID: 25741868, with internal and published modifications).

Labcorp Genetics (formerly Invitae), Labcorp
Classification: Likely benign for Hereditary spastic paraplegia 30; Neuropathy, hereditary sensory, type 2C; Intellectual disability, autosomal dominant 9. Last evaluated: 2026-01-19. Review status: criteria provided, single submitter. Criteria: Invitae Variant Classification Sherloc (09022015). Collection method: clinical testing. Allele origin: germline.

Blueprint Genetics
Classification: Uncertain significance. Last evaluated: 2024-10-25. Review status: criteria provided, single submitter. Criteria: ACMG Guidelines, 2015. Collection method: clinical testing. Allele origin: germline.

Athena Diagnostics
Classification: Benign. Last evaluated: 2024-08-30. Review status: criteria provided, single submitter. Criteria: Athena Diagnostics Criteria. Collection method: clinical testing. Allele origin: unknown.

CeGaT Center for Human Genetics Tuebingen
Classification: Uncertain significance. Last evaluated: 2023-02-01. Review status: criteria provided, single submitter. Criteria: CeGaT Center For Human Genetics Tuebingen Variant Classification Criteria Version 2. Collection method: clinical testing. Allele origin: germline. Affected: yes. Observed: 1 variant allele.
Comment: KIF1A: PP2

Ambry Genetics
Classification: Likely benign for Inborn genetic diseases. Last evaluated: 2022-02-23. Review status: criteria provided, single submitter. Criteria: Ambry Variant Classification Scheme 2023. Collection method: clinical testing. Allele origin: germline.

GeneDx
Classification: Likely benign. Last evaluated: 2021-04-16. Review status: criteria provided, single submitter. Criteria: GeneDx Variant Classification Process June 2021. Collection method: clinical testing. Allele origin: germline. Affected: yes.

Illumina Laboratory Services, Illumina
Classification: Uncertain significance for Spastic paraplegia 30A, autosomal dominant. Last evaluated: 2018-01-12. Review status: criteria provided, single submitter. Criteria: ICSL Variant Classification Criteria 13 December 2019. Collection method: clinical testing. Allele origin: germline.

Genetic Services Laboratory, University of Chicago
Classification: Uncertain significance. Last evaluated: 2017-06-06. Review status: criteria provided, single submitter. Criteria: ACMG Guidelines, 2015. Collection method: clinical testing. Allele origin: germline. Affected: no.

Literature cited by the submitters: PubMed 39076207 (cited by Athena Diagnostics); PubMed 29970176 (cited by Athena Diagnostics); PubMed 25356899 (cited by Athena Diagnostics); PubMed 21376300 (cited by Ambry Genetics).

NM_001244008.2(KIF1A):c.4778C>T (p.Pro1593Leu)

Gene: KIF1A (kinesin family member 1A; minus strand). Cytogenetic location: 2q37.3.
Variant type: single nucleotide variant.
Coding change: c.4778C>T on transcript NM_001244008.2 (MANE Select); coding-DNA position 4778, C replaced by T.
Protein change: p.Pro1593Leu; replaces proline 1593 with leucine.
Molecular consequence: missense variant.
Genome position (GRCh38, 1-based): chr2:240,721,004, G>A on the plus strand (C>T on the coding strand, the complement: KIF1A is on the minus strand). VCF-style: chr2-240721004-G-A. GRCh37 (hg19) VCF-style: chr2-241660421-G-A.
Other names: c.4502C>T, p.Pro1501Leu (NM_001320705.2, NM_001379649.1); c.4529C>T, p.Pro1510Leu (NM_001330289.2); c.4577C>T, p.Pro1526Leu (NM_001330290.2, NM_001379648.1); c.4853C>T, p.Pro1618Leu (NM_001379631.1); c.4754C>T, p.Pro1585Leu (NM_001379632.1); c.4751C>T, p.Pro1584Leu (NM_001379633.1, NM_001379645.1); c.4604C>T, p.Pro1535Leu (NM_001379634.1); c.4601C>T, p.Pro1534Leu (NM_001379635.1, NM_001379646.1); and 9 more; short protein forms P1593L, P1492L, P1526L, P1501L, P1510L, P1491L, P1500L, P1509L.
Identifiers: ClinVar variation 335258 (VCV000335258.53), dbSNP rs200902828, ClinGen allele CA2207300.